The following is an entry in ClinVar:

NM_001378778.1(MPDZ):c.4559A>G (p.Asp1520Gly)

Gene: MPDZ (multiple PDZ domain crumbs cell polarity complex component; minus strand). Cytogenetic location: 9p23.
Variant type: single nucleotide variant.
Coding change: c.4559A>G on transcript NM_001378778.1 (MANE Select); coding-DNA position 4559, A replaced by G.
Protein change: p.Asp1520Gly; replaces aspartic acid 1520 with glycine.
Molecular consequence: missense variant.
Genome position (GRCh38, 1-based): chr9:13,126,589, T>C on the plus strand (A>G on the coding strand, the complement: MPDZ is on the minus strand). VCF-style: chr9-13126589-T-C. GRCh37 (hg19) VCF-style: chr9-13126588-T-C.
Other names: c.4460A>G, p.Asp1487Gly (NM_001261406.2, NM_001261407.2, NM_001375416.1 and 3 more transcripts); c.4559A>G, p.Asp1520Gly (NM_001330637.2, NM_003829.5); c.4658A>G, p.Asp1553Gly (NM_001375413.1); c.4349A>G, p.Asp1450Gly (NM_001375420.1, NM_001375421.1, NM_001375422.1 and 4 more transcripts); c.4151A>G, p.Asp1384Gly (NM_001375427.1); short protein forms D1384G, D1487G, D1450G, D1520G, D1553G.
Identifiers: ClinVar variation 1477803 (VCV001477803.6), dbSNP rs781161993, ClinGen allele CA372947034.

ClinVar aggregate classification (germline): Uncertain significance (1 of 4 stars; one submission).

Allele frequency attached by ClinVar (database versions not stated): TOPMed below 0.00001.

Submission:

Labcorp Genetics (formerly Invitae), Labcorp
Classification: Uncertain significance. Last evaluated: 2022-06-13. Review status: criteria provided, single submitter. Criteria: Invitae Variant Classification Sherloc (09022015). Collection method: clinical testing. Allele origin: germline.
Comment: This sequence change replaces aspartic acid, which is acidic and polar, with glycine, which is neutral and non-polar, at codon 1520 of the MPDZ protein (p.Asp1520Gly). In summary, the available evidence is currently insufficient to determine the role of this variant in disease. Therefore, it has been classified as a Variant of Uncertain Significance. Algorithms developed to predict the effect of missense changes on protein structure and function are either unavailable or do not agree on the potential impact of this missense change (SIFT: "Deleterious"; PolyPhen-2: "Benign"; Align-GVGD: "Class C65"). This variant has not been reported in the literature in individuals affected with MPDZ-related conditions. This variant is not present in population databases (gnomAD no frequency).